The following is an entry in ClinVar:

ClinVar aggregate classification (germline): Uncertain significance. Review status: criteria provided, multiple submitters, no conflicts (2 of 4 stars). 2 submissions from 2 submitters: Uncertain significance (2). Last evaluated 2023-10-24.

Conditions:
Autosomal dominant nocturnal frontal lobe epilepsy 5. Also called: CILIARY DYSKINESIA, PRIMARY, 28, WITHOUT SITUS INVERSUS; CILIARY DYSKINESIA, PRIMARY, 28, WITH SITUS INVERSUS; Epilepsy, nocturnal frontal lobe, 5; KCNT1-Related Epilepsy. Identifiers: Orphanet 98784, MedGen C3554306, MONDO:0014002, OMIM 615005.
Developmental and epileptic encephalopathy, 14 (DEE14). Also called: Early infantile epileptic encephalopathy 14. Identifiers: Orphanet 293181, MedGen C3554195, MONDO:0013989, OMIM 614959.

Submissions (2):

GeneDx
Classification: Uncertain significance. Last evaluated: 2023-10-24. Review status: criteria provided, single submitter. Criteria: GeneDx Variant Classification Process June 2021. Collection method: clinical testing. Allele origin: germline. Affected: yes.
Comment: Not observed at significant frequency in large population cohorts (gnomAD); In silico analysis supports that this missense variant has a deleterious effect on protein structure/function; Has not been previously published as pathogenic or benign to our knowledge

Labcorp Genetics (formerly Invitae), Labcorp
Classification: Uncertain significance for Autosomal dominant nocturnal frontal lobe epilepsy 5; Developmental and epileptic encephalopathy, 14. Last evaluated: 2022-06-07. Review status: criteria provided, single submitter. Criteria: Invitae Variant Classification Sherloc (09022015). Collection method: clinical testing. Allele origin: germline.
Comment: This sequence change replaces proline, which is neutral and non-polar, with alanine, which is neutral and non-polar, at codon 66 of the KCNT1 protein (p.Pro66Ala). This variant is not present in population databases (gnomAD no frequency). This variant has not been reported in the literature in individuals affected with KCNT1-related conditions. Algorithms developed to predict the effect of missense changes on protein structure and function are either unavailable or do not agree on the potential impact of this missense change (SIFT: "Tolerated"; PolyPhen-2: "Possibly Damaging"; Align-GVGD: "Class C0"). In summary, the available evidence is currently insufficient to determine the role of this variant in disease. Therefore, it has been classified as a Variant of Uncertain Significance.

NM_020822.3(KCNT1):c.196C>G (p.Pro66Ala)

Gene: KCNT1 (potassium sodium-activated channel subfamily T member 1; plus strand). Cytogenetic location: 9q34.3.
Variant type: single nucleotide variant.
Coding change: c.196C>G on transcript NM_020822.3 (MANE Select); coding-DNA position 196, C replaced by G.
Protein change: p.Pro66Ala; replaces proline 66 with alanine.
Molecular consequence: missense variant. On other transcripts: intron variant (1).
Genome position (GRCh38, 1-based): chr9:135,714,662, C>G. VCF-style: chr9-135714662-C-G. GRCh37 (hg19) VCF-style: chr9-138606508-C-G.
Other names: c.110+12294C>G (NM_001272003.2); c.196C>G (NM_020822.2); short protein forms P66A.
Identifiers: ClinVar variation 2085412 (VCV002085412.5), dbSNP rs2490605268, ClinGen allele CA375493360.